The following is an entry in ClinVar:

NM_015634.4(KIFBP):c.1326A>G (p.Arg442=)

Gene: KIFBP (kinesin family binding protein; plus strand). Cytogenetic location: 10q22.1.
Variant type: single nucleotide variant.
Coding change: c.1326A>G on transcript NM_015634.4 (MANE Select); coding-DNA position 1326, A replaced by G.
Protein change: p.Arg442=; no amino-acid change (arginine 442 retained).
Molecular consequence: synonymous variant.
Genome position (GRCh38, 1-based): chr10:69,015,876, A>G. VCF-style: chr10-69015876-A-G. GRCh37 (hg19) VCF-style: chr10-70775632-A-G.
Identifiers: ClinVar variation 211258 (VCV000211258.44), dbSNP rs143815412, ClinGen allele CA208598.

ClinVar aggregate classification (germline): Conflicting classifications of pathogenicity. Review status: criteria provided, conflicting classifications (1 of 4 stars). 6 submissions from 6 submitters: Uncertain significance (1); Likely benign (5). Last evaluated 2026-04-01.

Conditions:
Goldberg-Shprintzen syndrome. Identifiers: Orphanet 66629, MedGen C1836123, MONDO:0012280, OMIM 609460.

Allele frequency attached by ClinVar (database versions not stated): gnomAD exomes 0.00089 and 0.00180; ExAC 0.00103; gnomAD 0.00105 and 0.00110; ESP Exome Variant Server 0.00108; TOPMed 0.00108.
gnomAD v4.1: 2,770 of 1,614,154 alleles (0.17%); highest among the groups gnomAD compares: Non-Finnish European, 0.22%; 5 homozygotes.

Submissions (6):

CeGaT Center for Human Genetics Tuebingen
Classification: Likely benign. Last evaluated: 2026-04-01. Review status: criteria provided, single submitter. Criteria: CeGaT Center For Human Genetics Tuebingen Variant Classification Criteria Version 2. Collection method: clinical testing. Allele origin: germline. Affected: yes. Observed: 5 variant alleles.
Comment: KIFBP: BP4, BP7

Labcorp Genetics (formerly Invitae), Labcorp
Classification: Likely benign. Last evaluated: 2025-09-21. Review status: criteria provided, single submitter. Criteria: Invitae Variant Classification Sherloc (09022015). Collection method: clinical testing. Allele origin: germline.

Blueprint Genetics
Classification: Likely benign. Last evaluated: 2024-11-05. Review status: criteria provided, single submitter. Criteria: ACMG Guidelines, 2015. Collection method: clinical testing. Allele origin: germline.

GeneDx
Classification: Likely benign. Last evaluated: 2020-09-22. Review status: criteria provided, single submitter. Criteria: GeneDx Variant Classification Process June 2021. Collection method: clinical testing. Allele origin: germline. Affected: yes.

Illumina Laboratory Services, Illumina
Classification: Uncertain significance for Goldberg-Shprintzen syndrome. Last evaluated: 2018-01-13. Review status: criteria provided, single submitter. Criteria: ICSL Variant Classification Criteria 13 December 2019. Collection method: clinical testing. Allele origin: germline.

Genetic Services Laboratory, University of Chicago
Classification: Likely benign. Last evaluated: 2015-09-30. Review status: criteria provided, single submitter. Criteria: ACMG Guidelines, 2015. Collection method: clinical testing. Allele origin: germline. Affected: no.